The following is an entry in ClinVar:

NM_032595.5(PPP1R9B):c.462C>T (p.Ser154=)

Genes: PPP1R9B (protein phosphatase 1 regulatory subunit 9B; minus strand), LOC130061148 (ATAC-STARR-seq lymphoblastoid silent region 8684; plus strand). Cytogenetic location: 17q21.33.
Variant type: single nucleotide variant.
Coding change: c.462C>T on transcript NM_032595.5 (MANE Select); coding-DNA position 462, C replaced by T.
Protein change: p.Ser154=; no amino-acid change (serine 154 retained).
Molecular consequence: synonymous variant.
Genome position (GRCh38, 1-based): chr17:50,150,052, G>A on the plus strand (C>T on the coding strand, the complement: PPP1R9B is on the minus strand). VCF-style: chr17-50150052-G-A. GRCh37 (hg19) VCF-style: chr17-48227413-G-A.
Other names: c.462C>T (NM_032595.4).
Identifiers: ClinVar variation 98504 (VCV000098504.3), dbSNP rs367543202, ClinGen allele CA225959.

ClinVar aggregate classification (germline): Likely benign. Review status: no assertion criteria provided (0 of 4 stars). 2 submissions from 2 submitters: Likely benign (1). 1 of the submissions does not count toward it. Last evaluated 2023-02-26.

Conditions:
PPP1R9B-related disorder. Also called: PPP1R9B-related condition.

Allele frequency attached by ClinVar (database versions not stated): gnomAD exomes 0.00004; 1000 Genomes Project 30x 0.00078; gnomAD 0.00125 and 0.00137; TOPMed 0.00126.
gnomAD v4.1: 339 of 1,464,228 alleles (0.023%); highest among the groups gnomAD compares: African/African-American, 0.44%; 1 homozygote.

Submissions (2):

PreventionGenetics, part of Exact Sciences
Classification: Likely benign for PPP1R9B-related condition. Last evaluated: 2023-02-26. Review status: no assertion criteria provided. Collection method: clinical testing. Allele origin: germline.
Comment: This variant is classified as likely benign based on ACMG/AMP sequence variant interpretation guidelines (Richards et al. 2015 PMID: 25741868, with internal and published modifications).

Psychiatry Genetics Yale University
No classification provided. Review status: no classification provided. Collection method: not provided. Allele origin: not provided. Not counted in ClinVar's aggregate classification.